The following is an entry in ClinVar:

NM_001113491.2(SEPTIN9):c.1747G>A (p.Ala583Thr)

Gene: SEPTIN9 (septin 9; plus strand). Cytogenetic location: 17q25.3.
Variant type: single nucleotide variant.
Coding change: c.1747G>A on transcript NM_001113491.2 (MANE Select); coding-DNA position 1747, G replaced by A.
Protein change: p.Ala583Thr; replaces alanine 583 with threonine.
Molecular consequence: missense variant.
Genome position (GRCh38, 1-based): chr17:77,498,644, G>A. VCF-style: chr17-77498644-G-A. GRCh37 (hg19) VCF-style: chr17-75494726-G-A.
Other names: c.1255G>A, p.Ala419Thr (NM_001113492.2, NM_001113494.1); c.1726G>A, p.Ala576Thr (NM_001113493.2); c.994G>A, p.Ala332Thr (NM_001113495.2, NM_001113496.2, NM_001293697.2 and 1 more transcripts); c.1690G>A, p.Ala564Thr (NM_001293695.2); c.1075G>A, p.Ala359Thr (NM_001293696.2); c.1693G>A, p.Ala565Thr (NM_006640.5); short protein forms A332T, A359T, A419T, A564T, A565T, A576T, A583T.
Identifiers: ClinVar variation 3617507 (VCV003617507.2).

ClinVar aggregate classification (germline): Uncertain significance (1 of 4 stars; one submission).

gnomAD v4.1: 8 of 1,609,120 alleles (0.0005%); highest among the groups gnomAD compares: Non-Finnish European, 0.00068%; no homozygotes.

Submission:

Labcorp Genetics (formerly Invitae), Labcorp
Classification: Uncertain significance. Last evaluated: 2024-05-13. Review status: criteria provided, single submitter. Criteria: Invitae Variant Classification Sherloc (09022015). Collection method: clinical testing. Allele origin: germline.
Comment: This sequence change replaces alanine, which is neutral and non-polar, with threonine, which is neutral and polar, at codon 565 of the SEPT9 protein (p.Ala565Thr). The frequency data for this variant in the population databases is considered unreliable, as metrics indicate poor data quality at this position in the gnomAD database. This variant has not been reported in the literature in individuals affected with SEPT9-related conditions. Algorithms developed to predict the effect of missense changes on protein structure and function output the following: SIFT: "Not Available"; PolyPhen-2: "Benign"; Align-GVGD: "Not Available". The threonine amino acid residue is found in multiple mammalian species, which suggests that this missense change does not adversely affect protein function. In summary, the available evidence is currently insufficient to determine the role of this variant in disease. Therefore, it has been classified as a Variant of Uncertain Significance.